The following is an entry in ClinVar:

ClinVar aggregate classification (germline): Uncertain significance. Review status: criteria provided, multiple submitters, no conflicts (2 of 4 stars). 2 submissions from 2 submitters: Uncertain significance (2). Last evaluated 2022-05-19.

Conditions:
Primary ciliary dyskinesia 17. Also called: CILIARY DYSKINESIA, PRIMARY, 17, WITH OR WITHOUT SITUS INVERSUS. Identifiers: Orphanet 244, MedGen C3542550, MONDO:0013854, OMIM 614679.
Primary ciliary dyskinesia. Also called: Ciliary dyskinesia. Identifiers: Orphanet 244, MedGen C0008780, MONDO:0016575, HP:0012265.

Allele frequency attached by ClinVar (database versions not stated): ExAC 0.00001; gnomAD 0.00001 and 0.00002; TOPMed 0.00001; 1000 Genomes Project 0.00020; 1000 Genomes Project 30x 0.00031.
gnomAD v4.1: 72 of 1,614,182 alleles (0.0045%); highest among the groups gnomAD compares: East Asian, 0.025%; no homozygotes.

Submissions (2):

Labcorp Genetics (formerly Invitae), Labcorp
Classification: Uncertain significance for Primary ciliary dyskinesia. Last evaluated: 2022-05-19. Review status: criteria provided, single submitter. Criteria: Invitae Variant Classification Sherloc (09022015). Collection method: clinical testing. Allele origin: germline.
Comment: This sequence change replaces arginine, which is basic and polar, with glutamine, which is neutral and polar, at codon 185 of the CCDC103 protein (p.Arg185Gln). This variant is present in population databases (rs182319938, gnomAD 0.002%). This variant has not been reported in the literature in individuals affected with CCDC103-related conditions. ClinVar contains an entry for this variant (Variation ID: 889644). Algorithms developed to predict the effect of missense changes on protein structure and function output the following: SIFT: "Tolerated"; PolyPhen-2: "Benign"; Align-GVGD: "Class C0". The glutamine amino acid residue is found in multiple mammalian species, which suggests that this missense change does not adversely affect protein function. In summary, the available evidence is currently insufficient to determine the role of this variant in disease. Therefore, it has been classified as a Variant of Uncertain Significance.

Illumina Laboratory Services, Illumina
Classification: Uncertain significance for Primary ciliary dyskinesia 17. Last evaluated: 2018-01-13. Review status: criteria provided, single submitter. Criteria: ICSL Variant Classification Criteria 13 December 2019. Collection method: clinical testing. Allele origin: germline.

NM_213607.3(DNAAF19):c.554G>A (p.Arg185Gln)

Gene: DNAAF19 (dynein axonemal assembly factor 19; plus strand). Cytogenetic location: 17q21.31.
Variant type: single nucleotide variant.
Coding change: c.554G>A on transcript NM_213607.3 (MANE Select); coding-DNA position 554, G replaced by A.
Protein change: p.Arg185Gln; replaces arginine 185 with glutamine.
Molecular consequence: missense variant. On other transcripts: 3 prime UTR variant (3).
Genome position (GRCh38, 1-based): chr17:44,902,642, G>A. VCF-style: chr17-44902642-G-A. GRCh37 (hg19) VCF-style: chr17-42980010-G-A.
Other names: c.554G>A, p.Arg185Gln (NM_001258395.2, NM_001258396.2); c.*304G>A (NM_001258397.3); c.*243G>A (NM_001258398.3, NM_001258399.2); short protein forms R185Q.
Identifiers: ClinVar variation 889644 (VCV000889644.6), dbSNP rs182319938, ClinGen allele CA8608399.